The following is an entry in ClinVar:

ClinVar aggregate classification (germline): Uncertain significance (1 of 4 stars; one submission).

Conditions:
Noonan syndrome (NS). Also called: Noonan's syndrome. Identifiers: Orphanet 648, MedGen C0028326, MeSH D009634, MONDO:0018997. Disease mechanism: gain of function.

Allele frequency attached by ClinVar (database versions not stated): gnomAD 0.00001; gnomAD exomes 0.00001; TOPMed 0.00001.
gnomAD v4.1: 17 of 1,557,340 alleles (0.0011%); highest among the groups gnomAD compares: Non-Finnish European, 0.00044%; no homozygotes.

Submission:

Labcorp Genetics (formerly Invitae), Labcorp
Classification: Uncertain significance for Noonan syndrome. Last evaluated: 2024-06-18. Review status: criteria provided, single submitter. Criteria: Invitae Variant Classification Sherloc (09022015). Collection method: clinical testing. Allele origin: germline.
Comment: This sequence change replaces proline, which is neutral and non-polar, with threonine, which is neutral and polar, at codon 153 of the RRAS protein (p.Pro153Thr). This variant is present in population databases (no rsID available, gnomAD 0.03%). This variant has not been reported in the literature in individuals affected with RRAS-related conditions. ClinVar contains an entry for this variant (Variation ID: 645740). An algorithm developed to predict the effect of missense changes on protein structure and function (PolyPhen-2) suggests that this variant is likely to be tolerated. In summary, the available evidence is currently insufficient to determine the role of this variant in disease. Therefore, it has been classified as a Variant of Uncertain Significance.

NM_006270.5(RRAS):c.457C>A (p.Pro153Thr)

Gene: RRAS (RAS related; minus strand). Cytogenetic location: 19q13.33.
Variant type: single nucleotide variant.
Coding change: c.457C>A on transcript NM_006270.5 (MANE Select); coding-DNA position 457, C replaced by A.
Protein change: p.Pro153Thr; replaces proline 153 with threonine.
Molecular consequence: missense variant.
Genome position (GRCh38, 1-based): chr19:49,635,849, G>T on the plus strand (C>A on the coding strand, the complement: RRAS is on the minus strand). VCF-style: chr19-49635849-G-T. GRCh37 (hg19) VCF-style: chr19-50139106-G-T.
Other names: short protein forms P153T.
Identifiers: ClinVar variation 645740 (VCV000645740.3), dbSNP rs1423079476, ClinGen allele CA406845948.